The following is an entry in ClinVar:

NM_139321.3(ATRN):c.154C>T (p.Leu52=)

Genes: ATRN (attractin; plus strand), LOC130065331 (ATAC-STARR-seq lymphoblastoid silent region 12621; plus strand). Cytogenetic location: 20p13.
Variant type: single nucleotide variant.
Coding change: c.154C>T on transcript NM_139321.3 (MANE Select); coding-DNA position 154, C replaced by T.
Protein change: p.Leu52=; no amino-acid change (leucine 52 retained).
Molecular consequence: synonymous variant. On other transcripts: intron variant (1).
Genome position (GRCh38, 1-based): chr20:3,471,261, C>T. VCF-style: chr20-3471261-C-T. GRCh37 (hg19) VCF-style: chr20-3451908-C-T.
Other names: c.154C>T (NM_139321.2); c.154C>T, p.Leu52= (NM_001323332.2, NM_139322.4); c.62+127C>T (NM_001207047.3).
Identifiers: ClinVar variation 1167763 (VCV001167763.11), dbSNP rs6051882, ClinGen allele CA9743765.

ClinVar aggregate classification (germline): Benign. Review status: criteria provided, multiple submitters, no conflicts (2 of 4 stars). 3 submissions from 3 submitters: Benign (2). 1 of the submissions does not count toward it. Last evaluated 2026-01-27.

Conditions:
ATRN-related disorder. Also called: ATRN-related condition.

Allele frequency attached by ClinVar (database versions not stated): gnomAD exomes 0.01388; 1000 Genomes Project 30x 0.06605; ExAC 0.04049; 1000 Genomes Project 0.06370.
gnomAD v4.1: 18,470 of 1,448,050 alleles (1.3%); highest among the groups gnomAD compares: African/African-American, 19%; 1,281 homozygotes.

Submissions (3):

Labcorp Genetics (formerly Invitae), Labcorp
Classification: Benign. Last evaluated: 2026-01-27. Review status: criteria provided, single submitter. Criteria: Invitae Variant Classification Sherloc (09022015). Collection method: clinical testing. Allele origin: germline.

Breakthrough Genomics
Classification: Benign. Review status: criteria provided, single submitter. Criteria: ACMG Guidelines, 2015. Collection method: not provided. Allele origin: germline. Inheritance: Unknown mechanism. Affected: yes.

PreventionGenetics, part of Exact Sciences
Classification: Benign for ATRN-related condition. Last evaluated: 2024-07-30. Review status: no assertion criteria provided. Collection method: clinical testing. Allele origin: germline. Not counted in ClinVar's aggregate classification.
Comment: This variant is classified as benign based on ACMG/AMP sequence variant interpretation guidelines (Richards et al. 2015 PMID: 25741868, with internal and published modifications).